The following is an entry in ClinVar:

ClinVar aggregate classification (germline): Uncertain significance (1 of 4 stars; one submission).

Conditions:
Glycogen storage disease, type V (GSD5). Also called: McArdle type glycogen storage disease; MCARDLE DISEASE; MUSCLE GLYCOGEN PHOSPHORYLASE DEFICIENCY; MYOPHOSPHORYLASE DEFICIENCY; PYGM DEFICIENCY. Identifiers: Orphanet 368, MedGen C0017924, MONDO:0009293, OMIM 232600.

gnomAD v4.1: 33 of 1,614,000 alleles (0.002%); highest among the groups gnomAD compares: Non-Finnish European, 0.0027%; no homozygotes.

Submission:

Labcorp Genetics (formerly Invitae), Labcorp
Classification: Uncertain significance for Glycogen storage disease, type V. Last evaluated: 2022-03-10. Review status: criteria provided, single submitter. Criteria: Invitae Variant Classification Sherloc (09022015). Collection method: clinical testing. Allele origin: germline.
Comment: This sequence change replaces glutamic acid, which is acidic and polar, with glutamine, which is neutral and polar, at codon 297 of the PYGM protein (p.Glu297Gln). This variant is present in population databases (no rsID available, gnomAD 0.003%). This variant has not been reported in the literature in individuals affected with PYGM-related conditions. Algorithms developed to predict the effect of missense changes on protein structure and function are either unavailable or do not agree on the potential impact of this missense change (SIFT: "Not Available"; PolyPhen-2: "Possibly Damaging"; Align-GVGD: "Not Available"). In summary, the available evidence is currently insufficient to determine the role of this variant in disease. Therefore, it has been classified as a Variant of Uncertain Significance.

NM_005609.4(PYGM):c.889G>C (p.Glu297Gln)

Gene: PYGM (glycogen phosphorylase, muscle associated; minus strand). Cytogenetic location: 11q13.1.
Variant type: single nucleotide variant.
Coding change: c.889G>C on transcript NM_005609.4 (MANE Select); coding-DNA position 889, G replaced by C.
Protein change: p.Glu297Gln; replaces glutamic acid 297 with glutamine.
Molecular consequence: missense variant.
Genome position (GRCh38, 1-based): chr11:64,754,803, C>G on the plus strand (G>C on the coding strand, the complement: PYGM is on the minus strand). VCF-style: chr11-64754803-C-G. GRCh37 (hg19) VCF-style: chr11-64522275-C-G.
Other names: c.625G>C, p.Glu209Gln (NM_001164716.1); short protein forms E209Q, E297Q.
Identifiers: ClinVar variation 2190115 (VCV002190115.1), dbSNP rs1358384674, ClinGen allele CA381179076.